The following is an entry in ClinVar:

NM_005045.4(RELN):c.2185A>G (p.Ile729Val)

Gene: RELN (reelin; minus strand). Cytogenetic location: 7q22.1.
Variant type: single nucleotide variant.
Coding change: c.2185A>G on transcript NM_005045.4 (MANE Select); coding-DNA position 2185, A replaced by G.
Protein change: p.Ile729Val; replaces isoleucine 729 with valine.
Molecular consequence: missense variant.
Genome position (GRCh38, 1-based): chr7:103,636,353, T>C on the plus strand (A>G on the coding strand, the complement: RELN is on the minus strand). VCF-style: chr7-103636353-T-C. GRCh37 (hg19) VCF-style: chr7-103276800-T-C.
Other names: c.2185A>G, p.Ile729Val (NM_173054.3); short protein forms I729V.
Identifiers: ClinVar variation 4793121 (VCV004793121.1).

ClinVar aggregate classification (germline): Uncertain significance (1 of 4 stars; one submission).

Conditions:
Norman-Roberts syndrome (LIS2). Also called: Lissencephaly 2 (Norman-Roberts type). Identifiers: Orphanet 89844, MedGen C0796089, MONDO:0009760, OMIM 257320.
Familial temporal lobe epilepsy 7. Identifiers: Orphanet 101046, MedGen C4225327, MONDO:0014639, OMIM 616436.

Submission:

Labcorp Genetics (formerly Invitae), Labcorp
Classification: Uncertain significance for Familial temporal lobe epilepsy 7; Norman-Roberts syndrome. Last evaluated: 2025-10-02. Review status: criteria provided, single submitter. Criteria: Invitae Variant Classification Sherloc (09022015). Collection method: clinical testing. Allele origin: germline.
Comment: This sequence change replaces isoleucine, which is neutral and non-polar, with valine, which is neutral and non-polar, at codon 729 of the RELN protein (p.Ile729Val). This variant is not present in population databases (gnomAD no frequency). This variant has not been reported in the literature in individuals affected with RELN-related conditions. Invitae Evidence Modeling of protein sequence and biophysical properties (such as structural, functional, and spatial information, amino acid conservation, physicochemical variation, residue mobility, and thermodynamic stability) indicates that this missense variant is not expected to disrupt RELN protein function with a negative predictive value of 80%. In summary, the available evidence is currently insufficient to determine the role of this variant in disease. Therefore, it has been classified as a Variant of Uncertain Significance.